The following is an entry in ClinVar:

NM_170606.3(KMT2C):c.3716_3718del (p.Gly1239del)

Gene: KMT2C (lysine methyltransferase 2C; minus strand). Cytogenetic location: 7q36.1.
Variant type: Deletion.
Coding change: c.3716_3718del on transcript NM_170606.3 (MANE Select); coding-DNA positions 3716 to 3718, 3 bases deleted (GAG; older notation c.3716_3718delGAG).
Protein change: p.Gly1239del; deletes glycine 1239.
Molecular consequence: inframe deletion.
Genome position (GRCh38, 1-based): chr7:152,207,423-152,207,425, CTC deleted on the plus strand (GAG on the coding strand, the reverse complement: KMT2C is on the minus strand); deleting any 3 consecutive bases within chr7:152,207,423-152,207,427 gives the same sequence; the c. name uses the placement nearest the transcript's 3' end. VCF-style (leftmost placement, unchanged base first): chr7-152207422-TCTC-T. GRCh37 (hg19) VCF-style: chr7-151904507-TCTC-T.
Other names: short protein forms G1239del.
Identifiers: ClinVar variation 4690185 (VCV004690185.1).
Genomic context (GRCh38, chr7:152,207,422, plus strand): 5'-TCATCATCCACAGCTTCCCGCTCAGGACTAGATTCTGATTTTCCATCACAATCCATAAGT[TCTC>T]CTTCTGGAAAAAAGTAAATGTATACACAAAACTGGAAAAACCTATCAAATATATAATCCC-3'

ClinVar aggregate classification (germline): Uncertain significance (1 of 4 stars; one submission).

Submission:

GeneDx
Classification: Uncertain significance. Last evaluated: 2025-07-31. Review status: criteria provided, single submitter. Criteria: GeneDx Variant Classification Process June 2021. Collection method: clinical testing. Allele origin: germline. Affected: yes.
Comment: Not observed at significant frequency in large population cohorts (gnomAD); Has not been previously published as pathogenic or benign to our knowledge; In silico analysis does not support a benign or deleterious effect of this variant on protein structure/function